The following is an entry in ClinVar:

NM_000152.5(GAA):c.-32-1298G>C

Gene: GAA (alpha glucosidase; plus strand). Cytogenetic location: 17q25.3.
Variant type: single nucleotide variant.
Coding change: c.-32-1298G>C on transcript NM_000152.5 (MANE Select); 1298 bases into the intron before 32 bases upstream of the start codon, G replaced by C.
Molecular consequence: intron variant.
Genome position (GRCh38, 1-based): chr17:80,103,257, G>C. VCF-style: chr17-80103257-G-C. GRCh37 (hg19) VCF-style: chr17-78077056-G-C.
Other names: c.-32-1298G>C (NM_001406741.1, NM_001406742.1, NM_001079803.3 and 1 more transcripts).
Identifiers: ClinVar variation 4876331 (VCV004876331.1).

ClinVar aggregate classification (germline): Benign (1 of 4 stars; one submission).

Conditions:
Glycogen storage disease, type II (IOPD). Also called: Pompe Disease; CARDIOMEGALIA GLYCOGENICA DIFFUSA; GLYCOGENOSIS, GENERALIZED, CARDIAC FORM; GSD II; POMPE DISEASE, INFANTILE-ONSET; GLYCOGEN STORAGE DISEASE II, INFANTILE-ONSET. Identifiers: Orphanet 365, MedGen C0017921, MONDO:0009290, OMIM 232300.

gnomAD v4.1: 47,582 of 152,040 alleles (31%); highest among the groups gnomAD compares: East Asian, 42%; 7,887 homozygotes.

Submission:

Genomenon, Inc
Classification: Benign for Glycogen storage disease, type II. Last evaluated: 2026-07-01. Review status: criteria provided, single submitter. Criteria: Genomenon Sequence Variant Interpretation Standards - Updated. Collection method: curation. Allele origin: germline. Affected: no.
Comment: GAA c.-32-1298G>C is an intronic variant located in the 5′ untranslated region (5′ UTR). This variant is present at high allele frequency in population databases. We classify GAA c.-32-1298G>C as a benign variant.